The following is an entry in ClinVar:

NM_006231.4(POLE):c.3459+6G>A

Gene: POLE (DNA polymerase epsilon, catalytic subunit; minus strand). Cytogenetic location: 12q24.33.
Variant type: single nucleotide variant.
Coding change: c.3459+6G>A on transcript NM_006231.4 (MANE Select); 6 bases into the intron after coding-DNA position 3459, G replaced by A.
Molecular consequence: intron variant.
Genome position (GRCh38, 1-based): chr12:132,657,343, C>T on the plus strand (G>A on the coding strand, the complement: POLE is on the minus strand). VCF-style: chr12-132657343-C-T. GRCh37 (hg19) VCF-style: chr12-133233929-C-T.
Identifiers: ClinVar variation 937710 (VCV000937710.7), dbSNP rs2042567237, ClinGen allele CA1139662977.

ClinVar aggregate classification (germline): Uncertain significance (1 of 4 stars; one submission).

Submission:

Labcorp Genetics (formerly Invitae), Labcorp
Classification: Uncertain significance. Last evaluated: 2024-03-21. Review status: criteria provided, single submitter. Criteria: Invitae Variant Classification Sherloc (09022015). Collection method: clinical testing. Allele origin: germline.
Comment: This sequence change falls in intron 28 of the POLE gene. It does not directly change the encoded amino acid sequence of the POLE protein. It affects a nucleotide within the consensus splice site. This variant is not present in population databases (gnomAD no frequency). This variant has not been reported in the literature in individuals affected with POLE-related conditions. ClinVar contains an entry for this variant (Variation ID: 937710). Variants that disrupt the consensus splice site are a relatively common cause of aberrant splicing (PMID: 17576681, 9536098). Algorithms developed to predict the effect of sequence changes on RNA splicing suggest that this variant is not likely to affect RNA splicing. In summary, the available evidence is currently insufficient to determine the role of this variant in disease. Therefore, it has been classified as a Variant of Uncertain Significance.

Literature cited by the submitters: PubMed 17576681; PubMed 9536098.